The following is an entry in ClinVar:

ClinVar aggregate classification (germline): Uncertain significance. Review status: criteria provided, multiple submitters, no conflicts (2 of 4 stars). 5 submissions from 5 submitters: Uncertain significance (4). 1 of the submissions does not count toward it. Last evaluated 2025-06-09.

Conditions:
Hypertrophic cardiomyopathy 1 (CMH1). Also called: MYH7-Related Familial Hypertrophic Cardiomyopathy; Familial hypertrophic cardiomyopathy 1. Identifiers: MedGen C3495498, MONDO:0008647, OMIM 192600.
MYLK2-related disorder. Also called: MYLK2-related condition.
Cardiomyopathy (CMYO). Also called: Cardiomyopathies. Identifiers: Orphanet 167848, MedGen C0878544, MONDO:0004994, HP:0001638. Inheritance: Various modes of inheritance.

Allele frequency attached by ClinVar (database versions not stated): gnomAD exomes below 0.00001 and 0.00001; TOPMed below 0.00001; ExAC 0.00002.
gnomAD v4.1: 19 of 1,614,158 alleles (0.0012%); highest among the groups gnomAD compares: African/African-American, 0.0053%; no homozygotes.

Submissions (5):

Labcorp Genetics (formerly Invitae), Labcorp
Classification: Uncertain significance for Hypertrophic cardiomyopathy 1. Last evaluated: 2025-06-09. Review status: criteria provided, single submitter. Criteria: Invitae Variant Classification Sherloc (09022015). Collection method: clinical testing. Allele origin: germline.
Comment: This sequence change replaces valine, which is neutral and non-polar, with isoleucine, which is neutral and non-polar, at codon 522 of the MYLK2 protein (p.Val522Ile). The frequency data for this variant in the population databases is considered unreliable, as metrics indicate poor data quality at this position in the gnomAD database. This variant has not been reported in the literature in individuals affected with MYLK2-related conditions. ClinVar contains an entry for this variant (Variation ID: 915745). Invitae Evidence Modeling of protein sequence and biophysical properties (such as structural, functional, and spatial information, amino acid conservation, physicochemical variation, residue mobility, and thermodynamic stability) indicates that this missense variant is not expected to disrupt MYLK2 protein function with a negative predictive value of 80%. In summary, the available evidence is currently insufficient to determine the role of this variant in disease. Therefore, it has been classified as a Variant of Uncertain Significance.

Ambry Genetics
Classification: Uncertain significance. Last evaluated: 2025-03-15. Review status: criteria provided, single submitter. Criteria: Ambry Variant Classification Scheme 2023. Collection method: clinical testing. Allele origin: germline.

CHEO Genetics Diagnostic Laboratory, Children's Hospital of Eastern Ontario
Classification: Uncertain significance for Cardiomyopathy. Last evaluated: 2017-11-23. Review status: criteria provided, single submitter. Criteria: ACMG Guidelines, 2015. Collection method: clinical testing. Allele origin: germline.

Breakthrough Genomics
Classification: Uncertain significance. Review status: criteria provided, single submitter. Criteria: ACMG Guidelines, 2015. Collection method: not provided. Allele origin: germline. Inheritance: Autosomal dominant inheritance. Affected: yes.

PreventionGenetics, part of Exact Sciences
Classification: Uncertain significance for MYLK2-related condition. Last evaluated: 2023-11-11. Review status: no assertion criteria provided. Collection method: clinical testing. Allele origin: germline. Not counted in ClinVar's aggregate classification.
Comment: The MYLK2 c.1564G>A variant is predicted to result in the amino acid substitution p.Val522Ile. To our knowledge, this variant has not been reported in the literature. This variant is reported in 0.0033% of alleles in individuals of South Asian descent in gnomAD. At this time, the clinical significance of this variant is uncertain due to the absence of conclusive functional and genetic evidence.

NM_033118.4(MYLK2):c.1564G>A (p.Val522Ile)

Gene: MYLK2 (myosin light chain kinase 2; plus strand). Cytogenetic location: 20q11.21.
Variant type: single nucleotide variant.
Coding change: c.1564G>A on transcript NM_033118.4 (MANE Select); coding-DNA position 1564, G replaced by A.
Protein change: p.Val522Ile; replaces valine 522 with isoleucine.
Molecular consequence: missense variant.
Genome position (GRCh38, 1-based): chr20:31,831,842, G>A. VCF-style: chr20-31831842-G-A. GRCh37 (hg19) VCF-style: chr20-30419645-G-A.
Other names: short protein forms V522I.
Identifiers: ClinVar variation 915745 (VCV000915745.12), dbSNP rs747657397, ClinGen allele CA9803256.